The following is an entry in ClinVar:

ClinVar aggregate classification (germline): Likely pathogenic (1 of 4 stars; one submission).

gnomAD v4.1: 1 of 1,613,902 alleles (0.000062%); highest among the groups gnomAD compares: Non-Finnish European, 0.000085%; no homozygotes.

Submission:

GeneDx
Classification: Likely pathogenic. Last evaluated: 2025-01-25. Review status: criteria provided, single submitter. Criteria: GeneDx Variant Classification Process June 2021. Collection method: clinical testing. Allele origin: germline. Affected: yes.
Comment: Nonsense variant predicted to result in protein truncation or nonsense mediated decay in a gene for which loss of function is a known mechanism of disease; Not observed at significant frequency in large population cohorts (gnomAD); Observed in an individual with focal epilepsy, but additional clinical information and zygosity was not provided (PMID: 32938993); This variant is associated with the following publications: (PMID: 32938993)

NM_001365999.1(SZT2):c.5524C>T (p.Gln1842Ter)

Gene: SZT2 (SZT2 subunit of KICSTOR complex; plus strand). Cytogenetic location: 1p34.2.
Variant type: single nucleotide variant.
Coding change: c.5524C>T on transcript NM_001365999.1 (MANE Select); coding-DNA position 5524, C replaced by T.
Protein change: p.Gln1842Ter; replaces glutamine 1842 with a stop codon.
Molecular consequence: nonsense.
Genome position (GRCh38, 1-based): chr1:43,432,598, C>T. VCF-style: chr1-43432598-C-T. GRCh37 (hg19) VCF-style: chr1-43898269-C-T.
Other names: c.5353C>T, p.Gln1785Ter (NM_015284.4); short protein forms Q1785*, Q1842*.
Identifiers: ClinVar variation 4071597 (VCV004071597.1).